The following is an entry in ClinVar:

NM_001127208.3(TET2):c.3109G>A (p.Ala1037Thr)

Genes: TET2 (tet methylcytosine dioxygenase 2; plus strand), TET2-AS1 (TET2 antisense RNA 1; minus strand). Cytogenetic location: 4q24.
Variant type: single nucleotide variant.
Coding change: c.3109G>A on transcript NM_001127208.3 (MANE Select); coding-DNA position 3109, G replaced by A.
Protein change: p.Ala1037Thr; replaces alanine 1037 with threonine.
Molecular consequence: missense variant.
Genome position (GRCh38, 1-based): chr4:105,237,051, G>A. VCF-style: chr4-105237051-G-A. GRCh37 (hg19) VCF-style: chr4-106158208-G-A.
Other names: c.3109G>A, p.Ala1037Thr (NM_017628.4); short protein forms A1037T.
Identifiers: ClinVar variation 1337536 (VCV001337536.4), dbSNP rs748334095, ClinGen allele CA357801623.

ClinVar aggregate classification (germline): Uncertain significance (1 of 4 stars; one submission).

Allele frequency attached by ClinVar (database versions not stated): gnomAD 0.00001.
gnomAD v4.1: 7 of 1,614,122 alleles (0.00043%); highest among the groups gnomAD compares: East Asian, 0.0022%; no homozygotes.

Submission:

Genetic Services Laboratory, University of Chicago
Classification: Uncertain significance. Last evaluated: 2020-02-03. Review status: criteria provided, single submitter. Criteria: ACMG Guidelines, 2015. Collection method: clinical testing. Allele origin: germline. Affected: no.
Comment: DNA sequence analysis of the TET2 gene demonstrated a sequence change, c.3109G>A, in exon 3 that results in an amino acid change, p.Ala1037Thr. This sequence change does not appear to have been previously described in patients with TET2-related disorders and has been described in the gnomAD database in two individuals (dbSNP rs748334095). The p.Ala1037Thr change affects a poorly conserved amino acid residue located in a domain of the TET2 protein that is not known to be functional. In-silico pathogenicity prediction tools (SIFT, PolyPhen2, Align GVGD, REVEL) provide contradictory results for the p.Ala1037Thr substitution. Due to these contrasting evidences and the lack of functional studies, the clinical significance of the p.Ala1037Thr change remains unknown at this time.